The following is an entry in ClinVar:

NM_177438.3(DICER1):c.704A>T (p.Glu235Val)

Gene: DICER1 (dicer 1, ribonuclease III; minus strand). Cytogenetic location: 14q32.13.
Variant type: single nucleotide variant.
Coding change: c.704A>T on transcript NM_177438.3 (MANE Select); coding-DNA position 704, A replaced by T.
Protein change: p.Glu235Val; replaces glutamic acid 235 with valine.
Molecular consequence: missense variant.
Genome position (GRCh38, 1-based): chr14:95,129,502, T>A on the plus strand (A>T on the coding strand, the complement: DICER1 is on the minus strand). VCF-style: chr14-95129502-T-A. GRCh37 (hg19) VCF-style: chr14-95595839-T-A.
Other names: c.704A>T, p.Glu235Val (NM_001195573.1, NM_001271282.3, NM_001291628.2 and 1 more transcripts); short protein forms E235V.
Identifiers: ClinVar variation 826798 (VCV000826798.4), dbSNP rs1595456744, ClinGen allele CA390888019.

ClinVar aggregate classification (germline): Uncertain significance (1 of 4 stars; one submission).

Conditions:
Hereditary cancer-predisposing syndrome. Also called: Neoplastic Syndromes, Hereditary; Tumor predisposition; Hereditary neoplastic syndrome; Hereditary Cancer Syndrome. Identifiers: Orphanet 140162, MedGen C0027672, MeSH D009386, MONDO:0015356.

Submission:

Ambry Genetics
Classification: Uncertain significance for Hereditary cancer-predisposing syndrome. Last evaluated: 2019-04-08. Review status: criteria provided, single submitter. Criteria: Ambry Variant Classification Scheme 2023. Collection method: clinical testing. Allele origin: germline.
Comment: The p.E235V variant (also known as c.704A>T), located in coding exon 5 of the DICER1 gene, results from an A to T substitution at nucleotide position 704. The glutamic acid at codon 235 is replaced by valine, an amino acid with dissimilar properties. This amino acid position is highly conserved in available vertebrate species. In addition, this alteration is predicted to be deleterious by in silico analysis. Since supporting evidence is limited at this time, the clinical significance of this alteration remains unclear.